The following is an entry in ClinVar:

ClinVar aggregate classification (germline): Likely benign (1 of 4 stars; one submission).

Submission:

CeGaT Center for Human Genetics Tuebingen
Classification: Likely benign. Last evaluated: 2025-09-01. Review status: criteria provided, single submitter. Criteria: CeGaT Center For Human Genetics Tuebingen Variant Classification Criteria Version 2. Collection method: clinical testing. Allele origin: germline. Affected: yes. Observed: 1 variant allele.
Comment: MPIG6B: BP4, BP7

NM_138272.3(MPIG6B):c.57T>C (p.Pro19=)

Gene: MPIG6B (megakaryocyte and platelet inhibitory receptor G6b; plus strand). Cytogenetic location: 6p21.33.
Variant type: single nucleotide variant.
Coding change: c.57T>C on transcript NM_138272.3 (MANE Select); coding-DNA position 57, T replaced by C.
Protein change: p.Pro19=; no amino-acid change (proline 19 retained).
Molecular consequence: synonymous variant.
Genome position (GRCh38, 1-based): chr6:31,723,440, T>C. VCF-style: chr6-31723440-T-C. GRCh37 (hg19) VCF-style: chr6-31691217-T-C.
Other names: c.57T>C, p.Pro19= (NM_025260.4, NM_138273.3, NM_138274.3 and 2 more transcripts).
Identifiers: ClinVar variation 4280895 (VCV004280895.7).